The following is an entry in ClinVar:

NM_002711.4(PPP1R3A):c.1880G>A (p.Arg627Lys)

Gene: PPP1R3A (protein phosphatase 1 regulatory subunit 3A; minus strand). Cytogenetic location: 7q31.1.
Variant type: single nucleotide variant.
Coding change: c.1880G>A on transcript NM_002711.4 (MANE Select); coding-DNA position 1880, G replaced by A.
Protein change: p.Arg627Lys; replaces arginine 627 with lysine.
Molecular consequence: missense variant.
Genome position (GRCh38, 1-based): chr7:113,879,212, C>T on the plus strand (G>A on the coding strand, the complement: PPP1R3A is on the minus strand). VCF-style: chr7-113879212-C-T. GRCh37 (hg19) VCF-style: chr7-113519267-C-T.
Other names: short protein forms R627K.
Identifiers: ClinVar variation 393404 (VCV000393404.6), dbSNP rs35067467, ClinGen allele CA4445179.

ClinVar aggregate classification (germline): Benign. Review status: criteria provided, multiple submitters, no conflicts (2 of 4 stars). 3 submissions from 3 submitters: Benign (2). 1 of the submissions does not count toward it. Last evaluated 2018-11-08.

Conditions:
PPP1R3A-related disorder. Also called: PPP1R3A-related condition.
Monogenic diabetes. Identifiers: Orphanet 183625, MedGen C3888631, MONDO:0015967.

Allele frequency attached by ClinVar (database versions not stated): gnomAD exomes 0.00843; ExAC 0.01014; gnomAD 0.03115 and 0.03347; ESP Exome Variant Server 0.03568; TOPMed 0.03606; 1000 Genomes Project 0.03734; 1000 Genomes Project 30x 0.04122.

Submissions (3):

Personalized Diabetes Medicine Program, University of Maryland School of Medicine
Classification: Benign for Monogenic diabetes. Last evaluated: 2018-11-08. Review status: criteria provided, single submitter. Criteria: ACMG Guidelines, 2015. Collection method: research. Allele origin: unknown. Observed: 21 variant alleles, 17 heterozygotes, 4 homozygotes.
Comment: ACMG criteria: BA1 (10.7% in African), BS2 (142 homo in ExAC), BP4 (REVEL score 0.015 + 9 predictors)=benign

Breakthrough Genomics
Classification: Benign. Review status: criteria provided, single submitter. Criteria: ACMG Guidelines, 2015. Collection method: not provided. Allele origin: germline. Inheritance: Autosomal dominant inheritance. Affected: yes.

PreventionGenetics, part of Exact Sciences
Classification: Benign for PPP1R3A-related condition. Last evaluated: 2019-07-31. Review status: no assertion criteria provided. Collection method: clinical testing. Allele origin: germline. Not counted in ClinVar's aggregate classification.
Comment: This variant is classified as benign based on ACMG/AMP sequence variant interpretation guidelines (Richards et al. 2015 PMID: 25741868, with internal and published modifications).